The following is an entry in ClinVar:

NM_001142800.2(EYS):c.1185-6T>G

Gene: EYS (EGF-like photoreceptor maintenance factor; minus strand). Cytogenetic location: 6q12.
Variant type: single nucleotide variant.
Coding change: c.1185-6T>G on transcript NM_001142800.2 (MANE Select); 6 bases into the intron before coding-DNA position 1185, T replaced by G.
Molecular consequence: intron variant.
Genome position (GRCh38, 1-based): chr6:65,384,506, A>C on the plus strand (T>G on the coding strand, the complement: EYS is on the minus strand). VCF-style: chr6-65384506-A-C. GRCh37 (hg19) VCF-style: chr6-66094399-A-C.
Other names: c.1185-6T>G (NM_001292009.2, NM_001142801.2, NM_198283.2).
Identifiers: ClinVar variation 963338 (VCV000963338.17), dbSNP rs565046666, ClinGen allele CA3877826.

ClinVar aggregate classification (germline): Conflicting classifications of pathogenicity. Review status: criteria provided, conflicting classifications (1 of 4 stars). 8 submissions from 8 submitters: Pathogenic (1); Likely pathogenic (3); Uncertain significance (3). 1 of the submissions does not count toward it. Last evaluated 2026-03-18.

Conditions:
Retinitis pigmentosa 25 (RP25). Identifiers: Orphanet 791, MedGen C1864446, MONDO:0011272, OMIM 602772.
EYS-related disorder. Also called: EYS-related condition.

Allele frequency attached by ClinVar (database versions not stated): gnomAD exomes below 0.00001; ExAC 0.00001; gnomAD 0.00001; TOPMed 0.00001; 1000 Genomes Project 30x 0.00016; 1000 Genomes Project 0.00020.
gnomAD v4.1: 6 of 1,350,116 alleles (0.00044%); highest among the groups gnomAD compares: South Asian, 0.0035%; no homozygotes.

Submissions (8):

PreventionGenetics, part of Exact Sciences
Classification: Likely pathogenic for EYS-related condition. Last evaluated: 2026-03-18. Review status: criteria provided, single submitter. Criteria: ACMG Guidelines, 2015. Collection method: clinical testing. Allele origin: germline.
Comment: The EYS c.1185-6T>G variant is predicted to interfere with splicing. This variant has been reported in two individuals with retinitis pigmentosa (Messchaert et al. 2018. PubMed ID: 29159838). This variant is predicted to alter splicing based on available splicing prediction programs (SpliceAI, Jaganathan et al. 2019. PubMed ID: 30661751). However, the use of computer prediction programs is not equivalent to functional evidence. This variant is not reported in a large population base (gnomAD) indicating the variant is rare. This variant is interpreted as likely pathogenic.

3billion
Classification: Uncertain significance for Retinitis pigmentosa 25. Last evaluated: 2026-01-12. Review status: criteria provided, single submitter. Criteria: ACMG Guidelines, 2015. Collection method: clinical testing. Allele origin: germline. Affected: yes.
Comment: The variant is observed at an extremely low frequency in the gnomAD v4.1.0 dataset (total allele frequency: <0.001%). Predicted Consequence/Location: Intron variant Alter splicing and produce of an abnormal transcript predicted by in silico programs is uncertain [SpliceAI: 0.17 (spliceogenicity >=0.2, non-spliceogenicity <0.1)]. The variant has been reported at least twice as pathogenic without evidence for the classification (ClinVar ID: VCV000963338). Therefore, this variant is classified as VUS according to the recommendation of ACMG/AMP guideline.

Labcorp Genetics (formerly Invitae), Labcorp
Classification: Likely pathogenic. Last evaluated: 2025-12-03. Review status: criteria provided, single submitter. Criteria: Invitae Variant Classification Sherloc (09022015). Collection method: clinical testing. Allele origin: germline.
Comment: This sequence change falls in intron 7 of the EYS gene. It does not directly change the encoded amino acid sequence of the EYS protein. This variant is present in population databases (rs565046666, gnomAD no frequency). This variant has been observed in individuals with retinitis pigmentosa (PMID: 29159838; internal data). ClinVar contains an entry for this variant (Variation ID: 963338). Algorithms developed to predict the effect of sequence changes on RNA splicing suggest that this variant is not likely to affect RNA splicing. In summary, the currently available evidence indicates that the variant is pathogenic, but additional data are needed to prove that conclusively. Therefore, this variant has been classified as Likely Pathogenic.

Foundation for Research in Genetics and Endocrinology, FRIGE's Institute of Human Genetics
Classification: Uncertain significance for Retinitis pigmentosa 25. Last evaluated: 2025-11-25. Review status: criteria provided, single submitter. Criteria: ACMG Guidelines, 2015. Collection method: clinical testing. Allele origin: germline. Inheritance: Autosomal recessive inheritance. Affected: yes. Observed: 1 homozygote.
Comment: A homozygous 3' splice site variant in intron 7 of the EYS gene that affects the position 6 nucleotides upstream of exon 8 (c.1185-6T>G) was detected. This variant has a minor allele frequency of 0.02%, 0.0006%, 0.0004% and 0.001% in the 1000 genomes, gnomAD (v3.1), gnomAD (v2.1) and topmed databases respectively. The reference base is conserved across species. In summary, the variant meets our criteria to be classified as variant of uncertain significance.

Myriad Genetics, Inc.
Classification: Uncertain significance for Retinitis pigmentosa 25. Last evaluated: 2025-09-18. Review status: criteria provided, single submitter. Criteria: Myriad Autosomal Dominant, Autosomal Recessive and X-Linked Classification Criteria (2023). Collection method: clinical testing. Allele origin: unknown.
Comment: NM_001142800.1(EYS):c.1185-6T>G is an intronic variant classified as a variant of uncertain significance in the context of retinitis pigmentosa, EYS-related. c.1185-6T>G has been observed in cases with relevant disease (PMID: 29159838, 37506127, 39643591, 38819824). Relevant functional assessments of this variant are not available in the literature. c.1185-6T>G has been observed in referenced population frequency databases. In summary, there is insufficient evidence to classify NM_001142800.1(EYS):c.1185-6T>G as pathogenic or benign. Please note: this variant was assessed in the context of healthy population screening.

Fulgent Genetics
Classification: Likely pathogenic for Retinitis pigmentosa 25. Last evaluated: 2024-04-15. Review status: criteria provided, single submitter. Criteria: ACMG Guidelines, 2015. Collection method: clinical testing. Allele origin: germline.

Blueprint Genetics
Classification: Pathogenic for EYS-related disorders. Last evaluated: 2022-10-14. Review status: criteria provided, single submitter. Criteria: ACMG Guidelines, 2015. Collection method: clinical testing. Allele origin: germline. Affected: yes. Observed: 5 variant alleles.

Natera, Inc.
Classification: Uncertain significance for Retinitis pigmentosa type 25. Last evaluated: 2020-10-05. Review status: no assertion criteria provided. Collection method: clinical testing. Allele origin: germline. Not counted in ClinVar's aggregate classification.

Literature cited by the submitters: PubMed 29159838 (cited by Labcorp Genetics (formerly Invitae), Labcorp and Myriad Genetics, Inc.); PubMed 37506127 (cited by Myriad Genetics, Inc.); PubMed 38819824 (cited by Myriad Genetics, Inc.); PubMed 39643591 (cited by Myriad Genetics, Inc.).